The following is an entry in ClinVar:

NM_020771.4(HACE1):c.338G>A (p.Cys113Tyr)

Gene: HACE1 (HECT domain and ankyrin repeat containing E3 ubiquitin protein ligase 1; minus strand). Cytogenetic location: 6q16.3.
Variant type: single nucleotide variant.
Coding change: c.338G>A on transcript NM_020771.4 (MANE Select); coding-DNA position 338, G replaced by A.
Protein change: p.Cys113Tyr; replaces cysteine 113 with tyrosine.
Molecular consequence: missense variant. On other transcripts: 5 prime UTR variant (3), non-coding transcript variant (6), intron variant (4).
Genome position (GRCh38, 1-based): chr6:104,843,287, C>T on the plus strand (G>A on the coding strand, the complement: HACE1 is on the minus strand). VCF-style: chr6-104843287-C-T. GRCh37 (hg19) VCF-style: chr6-105291162-C-T.
Other names: c.338G>A, p.Cys113Tyr (NM_001321080.2); c.236G>A, p.Cys79Tyr (NM_001321083.2, NM_001350554.2); c.-84G>A (NM_001321084.2, NM_001350558.2); c.-30G>A (NM_001350559.2); c.326+5855G>A (NM_001350555.2); c.-250+5855G>A (NM_001350560.2); c.-20+5855G>A (NM_001350557.2); c.-85+5855G>A (NM_001350556.2); short protein forms C79Y, C113Y.
Identifiers: ClinVar variation 2119295 (VCV002119295.4), dbSNP rs2483906091, ClinGen allele CA365136985.

ClinVar aggregate classification (germline): Uncertain significance (1 of 4 stars; one submission).

Submission:

Labcorp Genetics (formerly Invitae), Labcorp
Classification: Uncertain significance. Last evaluated: 2022-08-20. Review status: criteria provided, single submitter. Criteria: Invitae Variant Classification Sherloc (09022015). Collection method: clinical testing. Allele origin: germline.
Comment: This variant is not present in population databases (gnomAD no frequency). This sequence change replaces cysteine, which is neutral and slightly polar, with tyrosine, which is neutral and polar, at codon 113 of the HACE1 protein (p.Cys113Tyr). In summary, the available evidence is currently insufficient to determine the role of this variant in disease. Therefore, it has been classified as a Variant of Uncertain Significance. Algorithms developed to predict the effect of missense changes on protein structure and function (SIFT, PolyPhen-2, Align-GVGD) all suggest that this variant is likely to be disruptive. This variant has not been reported in the literature in individuals affected with HACE1-related conditions.